The following is an entry in ClinVar:

ClinVar aggregate classification (germline): Pathogenic (1 of 4 stars; one submission).

Conditions:
Hypertrophic cardiomyopathy 26. Also called: Cardiomyopathy, familial hypertrophic, 26. Identifiers: Orphanet 75249, MedGen C4310749, MONDO:0014883, OMIM 617047.
Myofibrillar myopathy 5. Also called: Filaminopathy (type); FILAMINOPATHY, AUTOSOMAL DOMINANT. Identifiers: Orphanet 171445, MedGen C1836050, MONDO:0012289, OMIM 609524.
Distal myopathy with posterior leg and anterior hand involvement. Also called: WILLIAMS DISTAL MYOPATHY. Identifiers: Orphanet 63273, MedGen C3279722, MONDO:0013550, OMIM 614065.

Submission:

Labcorp Genetics (formerly Invitae), Labcorp
Classification: Pathogenic for Distal myopathy with posterior leg and anterior hand involvement; Myofibrillar myopathy 5; Hypertrophic cardiomyopathy 26. Last evaluated: 2025-11-03. Review status: criteria provided, single submitter. Criteria: Invitae Variant Classification Sherloc (09022015). Collection method: clinical testing. Allele origin: germline.
Comment: This sequence change creates a premature translational stop signal (p.Trp228*) in the FLNC gene. It is expected to result in an absent or disrupted protein product. Loss-of-function variants in FLNC are known to be pathogenic (PMID: 27908349). This variant is not present in population databases (gnomAD no frequency). This variant has not been reported in the literature in individuals affected with FLNC-related conditions. For these reasons, this variant has been classified as Pathogenic.

Literature cited by the submitters: PubMed 27908349.

NM_001458.5(FLNC):c.683G>A (p.Trp228Ter)

Gene: FLNC (filamin C; plus strand). Cytogenetic location: 7q32.1.
Variant type: single nucleotide variant.
Coding change: c.683G>A on transcript NM_001458.5 (MANE Select); coding-DNA position 683, G replaced by A.
Protein change: p.Trp228Ter; replaces tryptophan 228 with a stop codon.
Molecular consequence: nonsense.
Genome position (GRCh38, 1-based): chr7:128,837,241, G>A. VCF-style: chr7-128837241-G-A. GRCh37 (hg19) VCF-style: chr7-128477295-G-A.
Other names: c.683G>A, p.Trp228Ter (NM_001127487.2); short protein forms W228*.
Identifiers: ClinVar variation 4812530 (VCV004812530.1).